The following is an entry in ClinVar:

ClinVar aggregate classification (germline): Uncertain significance (1 of 4 stars; one submission).

gnomAD v4.1: 9 of 1,590,958 alleles (0.00057%); highest among the groups gnomAD compares: Non-Finnish European, 0.00078%; no homozygotes.

Submission:

Mayo Clinic Laboratories, Mayo Clinic
Classification: Uncertain significance. Last evaluated: 2025-07-30. Review status: criteria provided, single submitter. Criteria: ACMG Guidelines, 2015. Collection method: clinical testing. Allele origin: germline. Observed: 1 variant allele.
Comment: BP4_moderate, PM2_supporting

NM_000288.4(PEX7):c.807C>A (p.Phe269Leu)

Gene: PEX7 (peroxisomal biogenesis factor 7; plus strand). Cytogenetic location: 6q23.3.
Variant type: single nucleotide variant.
Coding change: c.807C>A on transcript NM_000288.4 (MANE Select); coding-DNA position 807, C replaced by A.
Protein change: p.Phe269Leu; replaces phenylalanine 269 with leucine.
Molecular consequence: missense variant.
Genome position (GRCh38, 1-based): chr6:136,898,145, C>A. VCF-style: chr6-136898145-C-A. GRCh37 (hg19) VCF-style: chr6-137219283-C-A.
Other names: p.Phe269Leu; c.693C>A, p.Phe231Leu (NM_001410945.1); short protein forms F269L, F231L.
Identifiers: ClinVar variation 4541223 (VCV004541223.1).